The following is an entry in ClinVar:

ClinVar aggregate classification (germline): Uncertain significance. Review status: criteria provided, multiple submitters, no conflicts (2 of 4 stars). 3 submissions from 3 submitters: Uncertain significance (3). Last evaluated 2023-04-21.

Conditions:
Tuberous sclerosis 2 (TSC2). Identifiers: Orphanet 805, MedGen C1860707, MONDO:0013199, OMIM 613254.
Hereditary cancer-predisposing syndrome. Also called: Neoplastic Syndromes, Hereditary; Hereditary Cancer Syndrome; Hereditary neoplastic syndrome; Tumor predisposition. Identifiers: Orphanet 140162, MedGen C0027672, MeSH D009386, MONDO:0015356.

Submissions (3):

Ambry Genetics
Classification: Uncertain significance for Hereditary cancer-predisposing syndrome. Last evaluated: 2023-04-21. Review status: criteria provided, single submitter. Criteria: Ambry Variant Classification Scheme 2023. Collection method: clinical testing. Allele origin: germline.
Comment: The p.H1718Y variant (also known as c.5152C>T), located in coding exon 39 of the TSC2 gene, results from a C to T substitution at nucleotide position 5152. The histidine at codon 1718 is replaced by tyrosine, an amino acid with similar properties. This amino acid position is highly conserved in available vertebrate species. In addition, this alteration is predicted to be deleterious by in silico analysis. Since supporting evidence is limited at this time, the clinical significance of this alteration remains unclear.

Genome-Nilou Lab
Classification: Uncertain significance for Tuberous sclerosis 2. Last evaluated: 2021-11-07. Review status: criteria provided, single submitter. Criteria: ACMG Guidelines, 2015. Collection method: clinical testing. Allele origin: germline. Affected: no.

Labcorp Genetics (formerly Invitae), Labcorp
Classification: Uncertain significance for Tuberous sclerosis 2. Last evaluated: 2019-05-10. Review status: criteria provided, single submitter. Criteria: Invitae Variant Classification Sherloc (09022015). Collection method: clinical testing. Allele origin: germline.
Comment: In summary, the available evidence is currently insufficient to determine the role of this variant in disease. Therefore, it has been classified as a Variant of Uncertain Significance. Algorithms developed to predict the effect of sequence changes on RNA splicing suggest that this variant may create or strengthen a splice site, but this prediction has not been confirmed by published transcriptional studies. Algorithms developed to predict the effect of missense changes on protein structure and function are either unavailable or do not agree on the potential impact of this missense change (SIFT: "Deleterious"; PolyPhen-2: "Possibly Damaging"; Align-GVGD: "Class C0"). This variant has not been reported in the literature in individuals with TSC2-related conditions. This variant is not present in population databases (ExAC no frequency). This sequence change replaces histidine with tyrosine at codon 1718 of the TSC2 protein (p.His1718Tyr). The histidine residue is highly conserved and there is a moderate physicochemical difference between histidine and tyrosine.

NM_000548.5(TSC2):c.5152C>T (p.His1718Tyr)

Gene: TSC2 (TSC complex subunit 2; plus strand). Cytogenetic location: 16p13.3.
Variant type: single nucleotide variant.
Coding change: c.5152C>T on transcript NM_000548.5 (MANE Select); coding-DNA position 5152, C replaced by T.
Protein change: p.His1718Tyr; replaces histidine 1718 with tyrosine.
Molecular consequence: missense variant.
Genome position (GRCh38, 1-based): chr16:2,088,131, C>T. VCF-style: chr16-2088131-C-T. GRCh37 (hg19) VCF-style: chr16-2138132-C-T.
Other names: c.4951C>T, p.His1651Tyr (NM_001077183.3); c.5083C>T, p.His1695Tyr (NM_001114382.3); c.4843C>T, p.His1615Tyr (NM_001318827.2); c.4807C>T, p.His1603Tyr (NM_001318829.2); c.4420C>T, p.His1474Tyr (NM_001318831.2); c.4984C>T, p.His1662Tyr (NM_001318832.2); c.4954C>T, p.His1652Tyr (NM_001363528.2); c.5020C>T, p.His1674Tyr (NM_001370404.1); and 1 more; short protein forms H1474Y, H1615Y, H1674Y, H1675Y, H1718Y, H1603Y, H1652Y, H1662Y.
Identifiers: ClinVar variation 825483 (VCV000825483.14), dbSNP rs1567130289, ClinGen allele CA394312632.